The following is an entry in ClinVar:

ClinVar aggregate classification (germline): Pathogenic/Likely pathogenic. Review status: criteria provided, multiple submitters, no conflicts (2 of 4 stars). 3 submissions from 3 submitters: Pathogenic (1); Likely pathogenic (1). 1 of the submissions does not count toward it. Last evaluated 2021-04-06.

Conditions:
CLRN1-related disorder. Also called: CLRN1-related condition.
Usher syndrome type 3. Also called: Usher Syndrome, Type III. Identifiers: Orphanet 231183, MedGen C1568248, MONDO:0016485.

Submissions (3):

Labcorp Genetics (formerly Invitae), Labcorp
Classification: Likely pathogenic. Last evaluated: 2021-04-06. Review status: criteria provided, single submitter. Criteria: Invitae Variant Classification Sherloc (09022015). Collection method: clinical testing. Allele origin: germline.
Comment: In summary, the currently available evidence indicates that the variant is pathogenic, but additional data are needed to prove that conclusively. Therefore, this variant has been classified as Likely Pathogenic. Experimental studies have shown that this variant affects CLRN1 protein function (PMID: 19753315). This variant has been observed in individual(s) with Usher syndrome (PMID: 11524702). It has also been observed to segregate with disease in related individuals. ClinVar contains an entry for this variant (Variation ID: 4393). This variant is present in population databases (rs121908141, ExAC 0.03%). This sequence change replaces methionine with lysine at codon 120 of the CLRN1 protein (p.Met120Lys). The methionine residue is highly conserved and there is a moderate physicochemical difference between methionine and lysine.

Blueprint Genetics
Classification: Pathogenic for CLRN1-related disorders. Last evaluated: 2018-10-08. Review status: criteria provided, single submitter. Criteria: ACMG Guidelines, 2015. Collection method: clinical testing. Allele origin: germline. Affected: yes. Observed: 2 variant alleles.

OMIM
Classification: Pathogenic for USHER SYNDROME, TYPE IIIA. Last evaluated: 2002-09-01. Review status: no assertion criteria provided. Collection method: literature only. Allele origin: germline. Not counted in ClinVar's aggregate classification.

Literature cited by the submitters: PubMed 19753315 (cited by Labcorp Genetics (formerly Invitae), Labcorp); PubMed 11524702 (cited by Labcorp Genetics (formerly Invitae), Labcorp and OMIM); PubMed 12145752 (cited by OMIM).

NM_174878.3(CLRN1):c.359T>A (p.Met120Lys)

Gene: CLRN1 (clarin 1; minus strand). Cytogenetic location: 3q25.1.
Variant type: single nucleotide variant.
Coding change: c.359T>A on transcript NM_174878.3 (MANE Select); coding-DNA position 359, T replaced by A.
Protein change: p.Met120Lys; replaces methionine 120 with lysine.
Molecular consequence: missense variant. On other transcripts: non-coding transcript variant (1).
Genome position (GRCh38, 1-based): chr3:150,941,656, A>T on the plus strand (T>A on the coding strand, the complement: CLRN1 is on the minus strand). VCF-style: chr3-150941656-A-T. GRCh37 (hg19) VCF-style: chr3-150659443-A-T.
Other names: c.359T>A, p.Met120Lys (NM_001195794.1); c.531T>A, p.His177Gln (NM_001256819.2); c.131T>A, p.Met44Lys (NM_052995.2); short protein forms M120K, H177Q, M44K.
Identifiers: ClinVar variation 4393 (VCV000004393.10), dbSNP rs121908141, ClinGen allele CA116819.